The following is an entry in ClinVar:

ClinVar aggregate classification (germline): Uncertain significance. Review status: criteria provided, multiple submitters, no conflicts (2 of 4 stars). 2 submissions from 2 submitters: Uncertain significance (2). Last evaluated 2024-12-09.

Allele frequency attached by ClinVar (database versions not stated): gnomAD 0.00006 and 0.00007; ExAC 0.00007; ESP Exome Variant Server 0.00008; gnomAD exomes 0.00009 and 0.00018; TOPMed 0.00013; 1000 Genomes Project 30x 0.00016; 1000 Genomes Project 0.00020.
gnomAD v4.1: 270 of 1,614,170 alleles (0.017%); highest among the groups gnomAD compares: Non-Finnish European, 0.022%; no homozygotes.

Submissions (2):

Ambry Genetics
Classification: Uncertain significance. Last evaluated: 2024-12-09. Review status: criteria provided, single submitter. Criteria: Ambry Variant Classification Scheme 2023. Collection method: clinical testing. Allele origin: germline.

Labcorp Genetics (formerly Invitae), Labcorp
Classification: Uncertain significance. Last evaluated: 2022-11-22. Review status: criteria provided, single submitter. Criteria: Invitae Variant Classification Sherloc (09022015). Collection method: clinical testing. Allele origin: germline.
Comment: In summary, the available evidence is currently insufficient to determine the role of this variant in disease. Therefore, it has been classified as a Variant of Uncertain Significance. Algorithms developed to predict the effect of missense changes on protein structure and function (SIFT, PolyPhen-2, Align-GVGD) all suggest that this variant is likely to be tolerated. ClinVar contains an entry for this variant (Variation ID: 1355212). This variant has not been reported in the literature in individuals affected with ATRN-related conditions. This variant is present in population databases (rs188758827, gnomAD 0.02%). This sequence change replaces isoleucine, which is neutral and non-polar, with valine, which is neutral and non-polar, at codon 451 of the ATRN protein (p.Ile451Val).

NM_139321.3(ATRN):c.1351A>G (p.Ile451Val)

Gene: ATRN (attractin; plus strand). Cytogenetic location: 20p13.
Variant type: single nucleotide variant.
Coding change: c.1351A>G on transcript NM_139321.3 (MANE Select); coding-DNA position 1351, A replaced by G.
Protein change: p.Ile451Val; replaces isoleucine 451 with valine.
Molecular consequence: missense variant.
Genome position (GRCh38, 1-based): chr20:3,560,809, A>G. VCF-style: chr20-3560809-A-G. GRCh37 (hg19) VCF-style: chr20-3541456-A-G.
Other names: c.1003A>G, p.Ile335Val (NM_001207047.3); c.1351A>G, p.Ile451Val (NM_001323332.2, NM_139322.4); c.1351A>G (NM_139321.2); short protein forms I335V, I451V.
Identifiers: ClinVar variation 1355212 (VCV001355212.9), dbSNP rs188758827, ClinGen allele CA9744029.